The following is an entry in ClinVar:

ClinVar aggregate classification (germline): Uncertain significance (1 of 4 stars; one submission).

Submission:

GeneDx
Classification: Uncertain significance. Last evaluated: 2025-03-27. Review status: criteria provided, single submitter. Criteria: GeneDx Variant Classification Process June 2021. Collection method: clinical testing. Allele origin: germline. Affected: yes.
Comment: Not observed at significant frequency in large population cohorts (gnomAD); In silico analysis supports that this missense variant has a deleterious effect on protein structure/function; Has not been previously published as pathogenic or benign to our knowledge; This variant is associated with the following publications: (PMID: 22696272)

NM_000393.5(COL5A2):c.2861G>C (p.Gly954Ala)

Gene: COL5A2 (collagen type V alpha 2 chain; minus strand). Cytogenetic location: 2q32.2.
Variant type: single nucleotide variant.
Coding change: c.2861G>C on transcript NM_000393.5 (MANE Select); coding-DNA position 2861, G replaced by C.
Protein change: p.Gly954Ala; replaces glycine 954 with alanine.
Molecular consequence: missense variant.
Genome position (GRCh38, 1-based): chr2:189,051,390, C>G on the plus strand (G>C on the coding strand, the complement: COL5A2 is on the minus strand). VCF-style: chr2-189051390-C-G. GRCh37 (hg19) VCF-style: chr2-189916116-C-G.
Other names: short protein forms G954A.
Identifiers: ClinVar variation 4088064 (VCV004088064.1).